The following is an entry in ClinVar:

NM_003924.4(PHOX2B):c.208C>T (p.Leu70Phe)

Genes: PHOX2B (paired like homeobox 2B; minus strand), PHOX2B-AS1 (PHOX2B antisense RNA 1; plus strand). Cytogenetic location: 4p13.
Variant type: single nucleotide variant.
Coding change: c.208C>T on transcript NM_003924.4 (MANE Select); coding-DNA position 208, C replaced by T.
Protein change: p.Leu70Phe; replaces leucine 70 with phenylalanine.
Molecular consequence: missense variant.
Genome position (GRCh38, 1-based): chr4:41,748,403, G>A on the plus strand (C>T on the coding strand, the complement: PHOX2B is on the minus strand). VCF-style: chr4-41748403-G-A. GRCh37 (hg19) VCF-style: chr4-41750420-G-A.
Other names: short protein forms L70F.
Identifiers: ClinVar variation 852207 (VCV000852207.11), dbSNP rs1242397056, ClinGen allele CA356740851.

ClinVar aggregate classification (germline): Uncertain significance. Review status: criteria provided, multiple submitters, no conflicts (2 of 4 stars). 2 submissions from 2 submitters: Uncertain significance (2). Last evaluated 2026-07-06.

Conditions:
Haddad syndrome (OHD). Also called: Ondine-Hirschsprung disease. Identifiers: Orphanet 99803, MedGen C1859049, MONDO:0020493.
Hereditary cancer-predisposing syndrome. Also called: Tumor predisposition; Hereditary neoplastic syndrome; Neoplastic Syndromes, Hereditary; Hereditary Cancer Syndrome. Identifiers: Orphanet 140162, MedGen C0027672, MeSH D009386, MONDO:0015356.

Allele frequency attached by ClinVar (database versions not stated): TOPMed 0.00001.

Submissions (2):

Ambry Genetics
Classification: Uncertain significance for Hereditary cancer-predisposing syndrome. Last evaluated: 2026-07-06. Review status: criteria provided, single submitter. Criteria: Ambry Variant Classification Scheme 2023. Collection method: clinical testing. Allele origin: germline.
Comment: The p.L70F variant (also known as c.208C>T), located in coding exon 1 of the PHOX2B gene, results from a C to T substitution at nucleotide position 208. The leucine at codon 70 is replaced by phenylalanine, an amino acid with highly similar properties. This amino acid position is conserved. In addition, the in silico prediction for this alteration is inconclusive. Based on the available evidence, the clinical significance of this variant remains unclear.

Labcorp Genetics (formerly Invitae), Labcorp
Classification: Uncertain significance for Haddad syndrome. Last evaluated: 2019-01-19. Review status: criteria provided, single submitter. Criteria: Invitae Variant Classification Sherloc (09022015). Collection method: clinical testing. Allele origin: germline.
Comment: In summary, the available evidence is currently insufficient to determine the role of this variant in disease. Therefore, it has been classified as a Variant of Uncertain Significance. Algorithms developed to predict the effect of missense changes on protein structure and function are either unavailable or do not agree on the potential impact of this missense change (SIFT: "Deleterious"; PolyPhen-2: "Possibly Damaging"; Align-GVGD: "Class C15"). This variant has not been reported in the literature in individuals with PHOX2B-related conditions. This variant is not present in population databases (ExAC no frequency). This sequence change replaces leucine with phenylalanine at codon 70 of the PHOX2B protein (p.Leu70Phe). The leucine residue is highly conserved and there is a small physicochemical difference between leucine and phenylalanine.